The following is an entry in ClinVar:

ClinVar aggregate classification (germline): Uncertain significance. Review status: criteria provided, multiple submitters, no conflicts (2 of 4 stars). 2 submissions from 2 submitters: Uncertain significance (2). Last evaluated 2024-01-30.

Conditions:
Inborn genetic diseases. Identifiers: MedGen C0950123, MeSH D030342.

Allele frequency attached by ClinVar (database versions not stated): ExAC 0.00002.
gnomAD v4.1: 19 of 1,613,920 alleles (0.0012%); highest among the groups gnomAD compares: Non-Finnish European, 0.0014%; no homozygotes.

Submissions (2):

Ambry Genetics
Classification: Uncertain significance for Inborn genetic diseases. Last evaluated: 2024-01-30. Review status: criteria provided, single submitter. Criteria: Ambry Variant Classification Scheme 2023. Collection method: clinical testing. Allele origin: germline.

Labcorp Genetics (formerly Invitae), Labcorp
Classification: Uncertain significance. Last evaluated: 2020-06-30. Review status: criteria provided, single submitter. Criteria: Invitae Variant Classification Sherloc (09022015). Collection method: clinical testing. Allele origin: germline.
Comment: This sequence change replaces proline with histidine at codon 409 of the COL27A1 protein (p.Pro409His). The proline residue is weakly conserved and there is a moderate physicochemical difference between proline and histidine. This variant is present in population databases (rs769402761, ExAC 0.003%). This variant has not been reported in the literature in individuals with COL27A1-related conditions. Algorithms developed to predict the effect of missense changes on protein structure and function output the following: SIFT: "Tolerated"; PolyPhen-2: "Not Available"; Align-GVGD: "Class C0". The histidine amino acid residue is found in multiple mammalian species, suggesting that this missense change does not adversely affect protein function. These predictions have not been confirmed by published functional studies and their clinical significance is uncertain. In summary, the available evidence is currently insufficient to determine the role of this variant in disease. Therefore, it has been classified as a Variant of Uncertain Significance.

NM_032888.4(COL27A1):c.1226C>A (p.Pro409His)

Gene: COL27A1 (collagen type XXVII alpha 1 chain; plus strand). Cytogenetic location: 9q32.
Variant type: single nucleotide variant.
Coding change: c.1226C>A on transcript NM_032888.4 (MANE Select); coding-DNA position 1226, C replaced by A.
Protein change: p.Pro409His; replaces proline 409 with histidine.
Molecular consequence: missense variant.
Genome position (GRCh38, 1-based): chr9:114,168,781, C>A. VCF-style: chr9-114168781-C-A. GRCh37 (hg19) VCF-style: chr9-116931061-C-A.
Other names: c.1226C>A (NM_032888.2); short protein forms P409H.
Identifiers: ClinVar variation 2068693 (VCV002068693.2), dbSNP rs769402761, ClinGen allele CA5201334.